The following is an entry in ClinVar:

ClinVar aggregate classification (germline): Uncertain significance (1 of 4 stars; one submission).

Conditions:
Catecholaminergic polymorphic ventricular tachycardia 1. Also called: VENTRICULAR TACHYCARDIA, CATECHOLAMINERGIC POLYMORPHIC, 1, WITH OR WITHOUT ATRIAL DYSFUNCTION AND/OR DILATED CARDIOMYOPATHY; VENTRICULAR TACHYCARDIA, STRESS-INDUCED POLYMORPHIC 1; RYR2-Related Catecholaminergic Polymorphic Ventricular Tachycardia. Identifiers: Orphanet 3286, MedGen C1631597, MONDO:0011484, OMIM 604772.

Submission:

Labcorp Genetics (formerly Invitae), Labcorp
Classification: Uncertain significance for Catecholaminergic polymorphic ventricular tachycardia 1. Last evaluated: 2021-11-30. Review status: criteria provided, single submitter. Criteria: Invitae Variant Classification Sherloc (09022015). Collection method: clinical testing. Allele origin: germline.
Comment: This sequence change replaces serine, which is neutral and polar, with isoleucine, which is neutral and non-polar, at codon 4153 of the RYR2 protein (p.Ser4153Ile). This missense change has been observed in individual(s) with clinical features of catecholaminergic polymorphic ventricular tachycardia (PMID: 26114861). This variant is not present in population databases (gnomAD no frequency). In summary, the available evidence is currently insufficient to determine the role of this variant in disease. Therefore, it has been classified as a Variant of Uncertain Significance. This variant disrupts the p.Ser4153 amino acid residue in RYR2. Other variant(s) that disrupt this residue have been observed in individuals with RYR2-related conditions (PMID: 21652165), which suggests that this may be a clinically significant amino acid residue. Advanced modeling of protein sequence and biophysical properties (such as structural, functional, and spatial information, amino acid conservation, physicochemical variation, residue mobility, and thermodynamic stability) performed at Invitae indicates that this missense variant is expected to disrupt RYR2 protein function. ClinVar contains an entry for this variant (Variation ID: 963024).

Literature cited by the submitters: PubMed 26114861; PubMed 21652165.

NM_001035.3(RYR2):c.12458G>T (p.Ser4153Ile)

Genes: RYR2 (ryanodine receptor 2; plus strand), LOC126806068 (BRD4-independent group 4 enhancer GRCh37_chr1:237947411-237948610; plus strand). Cytogenetic location: 1q43.
Variant type: single nucleotide variant.
Coding change: c.12458G>T on transcript NM_001035.3 (MANE Select); coding-DNA position 12458, G replaced by T.
Protein change: p.Ser4153Ile; replaces serine 4153 with isoleucine.
Molecular consequence: missense variant.
Genome position (GRCh38, 1-based): chr1:237,784,170, G>T. VCF-style: chr1-237784170-G-T. GRCh37 (hg19) VCF-style: chr1-237947470-G-T.
Other names: short protein forms S4153I.
Identifiers: ClinVar variation 963024 (VCV000963024.9), dbSNP rs999437630, ClinGen allele CA345413339.
Genomic context (GRCh38, chr1:237,784,170, plus strand): 5'-TGGGCCGCATCGAAATCATGGGAAGCGCCAAACGCATCGAGAGGGTCTATTTTGAAATCA[G>T]TGAGTCCAGCCGAACCCAGTGGGAGAAGCCCCAGGTCAAGGAGTCCAAAAGACAGTTCAT-3'
Protein context (NP_001026.2, residues 4143-4163): KRIERVYFEI[Ser4153Ile]ESSRTQWEKP